The following is an entry in ClinVar:

ClinVar aggregate classification (germline): Uncertain significance (1 of 4 stars; one submission).

Conditions:
Neurofibromatosis, type 1 (NF1). Also called: Neurofibromatosis, type I; VON RECKLINGHAUSEN DISEASE; Peripheral type neurofibromatosis; NEUROFIBROMATOSIS, TYPE I, SOMATIC. Identifiers: Orphanet 636, MedGen C0027831, MONDO:0018975, OMIM 162200. Disease mechanism: loss of function.

gnomAD v4.1: 2 of 1,610,310 alleles (0.00012%); no homozygotes.

Submission:

Labcorp Genetics (formerly Invitae), Labcorp
Classification: Uncertain significance for Neurofibromatosis, type 1. Last evaluated: 2025-05-25. Review status: criteria provided, single submitter. Criteria: Invitae Variant Classification Sherloc (09022015). Collection method: clinical testing. Allele origin: germline.
Comment: This sequence change replaces valine, which is neutral and non-polar, with leucine, which is neutral and non-polar, at codon 2389 of the NF1 protein (p.Val2389Leu). This variant is not present in population databases (gnomAD no frequency). This variant has not been reported in the literature in individuals affected with NF1-related conditions. ClinVar contains an entry for this variant (Variation ID: 862703). Invitae Evidence Modeling of protein sequence and biophysical properties (such as structural, functional, and spatial information, amino acid conservation, physicochemical variation, residue mobility, and thermodynamic stability) indicates that this missense variant is not expected to disrupt NF1 protein function with a negative predictive value of 95%. In summary, the available evidence is currently insufficient to determine the role of this variant in disease. Therefore, it has been classified as a Variant of Uncertain Significance.

NM_001042492.3(NF1):c.7228G>C (p.Val2410Leu)

Gene: NF1 (neurofibromin 1; plus strand). Cytogenetic location: 17q11.2.
Variant type: single nucleotide variant.
Coding change: c.7228G>C on transcript NM_001042492.3 (MANE Select); coding-DNA position 7228, G replaced by C.
Protein change: p.Val2410Leu; replaces valine 2410 with leucine.
Molecular consequence: missense variant.
Genome position (GRCh38, 1-based): chr17:31,349,158, G>C. VCF-style: chr17-31349158-G-C. GRCh37 (hg19) VCF-style: chr17-29676176-G-C.
Other names: c.7165G>C, p.Val2389Leu (NM_000267.4); short protein forms V2389L, V2410L.
Identifiers: ClinVar variation 862703 (VCV000862703.6), dbSNP rs1060500372, ClinGen allele CA399016728.